The following is an entry in ClinVar:

NM_001371928.1(AHDC1):c.3847A>C (p.Lys1283Gln)

Gene: AHDC1 (AT-hook DNA binding motif containing 1; minus strand). Cytogenetic location: 1p36.11.
Variant type: single nucleotide variant.
Coding change: c.3847A>C on transcript NM_001371928.1 (MANE Select); coding-DNA position 3847, A replaced by C.
Protein change: p.Lys1283Gln; replaces lysine 1283 with glutamine.
Molecular consequence: missense variant.
Genome position (GRCh38, 1-based): chr1:27,548,269, T>G on the plus strand (A>C on the coding strand, the complement: AHDC1 is on the minus strand). VCF-style: chr1-27548269-T-G. GRCh37 (hg19) VCF-style: chr1-27874780-T-G.
Other names: c.3847A>C, p.Lys1283Gln (NM_001029882.3); short protein forms K1283Q.
Identifiers: ClinVar variation 1517834 (VCV001517834.6), dbSNP rs2148264239, ClinGen allele CA339224967.
Genomic context (GRCh38, chr1:27,548,269, plus strand): 5'-TGACTGGCTGTGGCTTGGGGATGAACTTGGCTTTGGCCGCTGCGCCACCCCGCTCCTTCT[T>G]GGCTGAGCAGGCCCCACCGCCCCGTCCACCTCGCGGCTGCCGGGGCCCAGTGCTCCGTTT-3'
Protein context (NP_001358857.1, residues 1273-1293): GGRGGGACSA[Lys1283Gln]KERGGAAAKA

ClinVar aggregate classification (germline): Uncertain significance (1 of 4 stars; one submission).

Submission:

Labcorp Genetics (formerly Invitae), Labcorp
Classification: Uncertain significance. Last evaluated: 2024-01-22. Review status: criteria provided, single submitter. Criteria: Invitae Variant Classification Sherloc (09022015). Collection method: clinical testing. Allele origin: germline.
Comment: This sequence change replaces lysine, which is basic and polar, with glutamine, which is neutral and polar, at codon 1283 of the AHDC1 protein (p.Lys1283Gln). This variant is not present in population databases (gnomAD no frequency). This variant has not been reported in the literature in individuals affected with AHDC1-related conditions. ClinVar contains an entry for this variant (Variation ID: 1517834). An algorithm developed to predict the effect of missense changes on protein structure and function (PolyPhen-2) suggests that this variant is likely to be disruptive. In summary, the available evidence is currently insufficient to determine the role of this variant in disease. Therefore, it has been classified as a Variant of Uncertain Significance.